The following is an entry in ClinVar:

ClinVar aggregate classification (germline): Uncertain significance (1 of 4 stars; one submission).

gnomAD v4.1: 1 of 1,613,946 alleles (0.000062%); highest among the groups gnomAD compares: Non-Finnish European, 0.000085%; no homozygotes.

Submission:

Ambry Genetics
Classification: Uncertain significance. Last evaluated: 2025-04-04. Review status: criteria provided, single submitter. Criteria: Ambry Variant Classification Scheme 2023. Collection method: clinical testing. Allele origin: germline.
Comment: The p.M633T variant (also known as c.1898T>C), located in coding exon 1 of the TET2 gene, results from a T to C substitution at nucleotide position 1898. The methionine at codon 633 is replaced by threonine, an amino acid with similar properties. This amino acid position is conserved. In addition, this alteration is predicted to be tolerated by in silico analysis. Based on the available evidence, the clinical significance of this variant remains unclear.

NM_001127208.3(TET2):c.1898T>C (p.Met633Thr)

Genes: TET2 (tet methylcytosine dioxygenase 2; plus strand), TET2-AS1 (TET2 antisense RNA 1; minus strand). Cytogenetic location: 4q24.
Variant type: single nucleotide variant.
Coding change: c.1898T>C on transcript NM_001127208.3 (MANE Select); coding-DNA position 1898, T replaced by C.
Protein change: p.Met633Thr; replaces methionine 633 with threonine.
Molecular consequence: missense variant.
Genome position (GRCh38, 1-based): chr4:105,235,840, T>C. VCF-style: chr4-105235840-T-C. GRCh37 (hg19) VCF-style: chr4-106156997-T-C.
Other names: c.1898T>C, p.Met633Thr (NM_017628.4); short protein forms M633T.
Identifiers: ClinVar variation 3967529 (VCV003967529.1).